The following is an entry in ClinVar:

NM_021831.6(AGBL5):c.2330T>G (p.Met777Arg)

Gene: AGBL5 (AGBL carboxypeptidase 5; plus strand). Cytogenetic location: 2p23.3.
Variant type: single nucleotide variant.
Coding change: c.2330T>G on transcript NM_021831.6 (MANE Select); coding-DNA position 2330, T replaced by G.
Protein change: p.Met777Arg; replaces methionine 777 with arginine.
Molecular consequence: missense variant. On other transcripts: non-coding transcript variant (2).
Genome position (GRCh38, 1-based): chr2:27,068,719, T>G. VCF-style: chr2-27068719-T-G. GRCh37 (hg19) VCF-style: chr2-27291587-T-G.
Other names: short protein forms M777R.
Identifiers: ClinVar variation 1378833 (VCV001378833.6), dbSNP rs778861966, ClinGen allele CA346141736.

ClinVar aggregate classification (germline): Uncertain significance (1 of 4 stars; one submission).

gnomAD v4.1: 2 of 1,614,184 alleles (0.00012%); highest among the groups gnomAD compares: Non-Finnish European, 0.000085%; no homozygotes.

Submission:

Labcorp Genetics (formerly Invitae), Labcorp
Classification: Uncertain significance. Last evaluated: 2024-11-11. Review status: criteria provided, single submitter. Criteria: Invitae Variant Classification Sherloc (09022015). Collection method: clinical testing. Allele origin: germline.
Comment: This sequence change replaces methionine, which is neutral and non-polar, with arginine, which is basic and polar, at codon 777 of the AGBL5 protein (p.Met777Arg). This variant is not present in population databases (gnomAD no frequency). This variant has not been reported in the literature in individuals affected with AGBL5-related conditions. ClinVar contains an entry for this variant (Variation ID: 1378833). An algorithm developed to predict the effect of missense changes on protein structure and function (PolyPhen-2) suggests that this variant is likely to be tolerated. In summary, the available evidence is currently insufficient to determine the role of this variant in disease. Therefore, it has been classified as a Variant of Uncertain Significance.